The following is an entry in ClinVar:

NM_000256.3(MYBPC3):c.565G>A (p.Val189Ile)

Gene: MYBPC3 (myosin binding protein C3; minus strand). Cytogenetic location: 11p11.2.
Variant type: single nucleotide variant.
Coding change: c.565G>A on transcript NM_000256.3 (MANE Select); coding-DNA position 565, G replaced by A.
Protein change: p.Val189Ile; replaces valine 189 with isoleucine.
Molecular consequence: missense variant.
Genome position (GRCh38, 1-based): chr11:47,349,863, C>T on the plus strand (G>A on the coding strand, the complement: MYBPC3 is on the minus strand). VCF-style: chr11-47349863-C-T. GRCh37 (hg19) VCF-style: chr11-47371414-C-T.
Other names: short protein forms V189I.
Identifiers: ClinVar variation 36614 (VCV000036614.112), dbSNP rs11570052, ClinGen allele CA015490.

ClinVar aggregate classification (germline): Benign/Likely benign. Review status: criteria provided, multiple submitters, no conflicts (2 of 4 stars). 24 submissions from 23 submitters: Benign (7); Likely benign (12). 5 of the submissions do not count toward it. Last evaluated 2026-09-01.

Conditions:
Cardiovascular phenotype. Identifiers: MedGen CN230736.
Left ventricular noncompaction 10 (LVNC10). Identifiers: Orphanet 154, Orphanet 54260, MedGen C3715165, MONDO:0014163, OMIM 615396.
Cardiomyopathy (CMYO). Also called: Cardiomyopathies. Identifiers: Orphanet 167848, MedGen C0878544, MONDO:0004994, HP:0001638. Inheritance: Various modes of inheritance.
Long QT syndrome (LQTS). Identifiers: MedGen C0023976, MeSH D008133, MONDO:0002442. Disease mechanism: loss of function. Inheritance: Various modes of inheritance.
Primary familial hypertrophic cardiomyopathy (HCM). Identifiers: Orphanet 99739, MedGen C0949658, MeSH D024741, MONDO:0024573. Inheritance: Various modes of inheritance.
Hypertrophic cardiomyopathy 4. Also called: Familial hypertrophic cardiomyopathy 4. Identifiers: MedGen C1861862, MONDO:0007268, OMIM 115197.
Hypertrophic cardiomyopathy. Also called: HYPERTROPHIC MYOCARDIOPATHY. Identifiers: Orphanet 217569, MedGen C0007194, MeSH D002312, MONDO:0005045, HP:0001639.

Allele frequency attached by ClinVar (database versions not stated): 1000 Genomes Project 30x 0.00219; gnomAD exomes 0.00260 and 0.00255; TOPMed 0.00228; ESP Exome Variant Server 0.00239; ExAC 0.00280; gnomAD 0.00199 and 0.00187; 1000 Genomes Project 0.00200.
gnomAD v4.1: 4,062 of 1,612,566 alleles (0.25%); highest among the groups gnomAD compares: Middle Eastern, 1.3%; 21 homozygotes.

Submissions (24):

CeGaT Center for Human Genetics Tuebingen
Classification: Likely benign. Last evaluated: 2026-09-01. Review status: criteria provided, single submitter. Criteria: CeGaT Center For Human Genetics Tuebingen Variant Classification Criteria Version 2. Collection method: clinical testing. Allele origin: germline. Affected: yes. Observed: 72 variant alleles.
Comment: MYBPC3: BS2

Labcorp Genetics (formerly Invitae), Labcorp
Classification: Benign for Hypertrophic cardiomyopathy. Last evaluated: 2026-02-03. Review status: criteria provided, single submitter. Criteria: Invitae Variant Classification Sherloc (09022015). Collection method: clinical testing. Allele origin: germline.

Mayo Clinic Laboratories, Mayo Clinic
Classification: Benign. Last evaluated: 2025-08-19. Review status: criteria provided, single submitter. Criteria: ACMG Guidelines, 2015. Collection method: clinical testing. Allele origin: germline. Observed: 4 variant alleles.
Comment: BS1, BS2, BP4

Genomic Medicine Center of Excellence, King Faisal Specialist Hospital and Research Centre
Classification: Likely benign. Last evaluated: 2025-08-18. Review status: criteria provided, single submitter. Criteria: ACMG Guidelines, 2015. Collection method: clinical testing. Allele origin: germline.

ARUP Laboratories, Molecular Genetics and Genomics, ARUP Laboratories
Classification: Benign. Last evaluated: 2025-01-22. Review status: criteria provided, single submitter. Criteria: ARUP Molecular Germline Variant Investigation Process 2024. Collection method: clinical testing. Allele origin: germline.

Blueprint Genetics
Classification: Likely benign. Last evaluated: 2024-11-26. Review status: criteria provided, single submitter. Criteria: ACMG Guidelines, 2015. Collection method: clinical testing. Allele origin: germline.

Ambry Genetics
Classification: Likely benign for Cardiovascular phenotype. Last evaluated: 2019-03-05. Review status: criteria provided, single submitter. Criteria: Ambry Variant Classification Scheme 2023. Collection method: clinical testing. Allele origin: germline.

Center for Advanced Laboratory Medicine, UC San Diego Health, University of California San Diego
Classification: Likely benign for Long QT Syndrome. Last evaluated: 2018-11-14. Review status: criteria provided, single submitter. Criteria: ACMG Guidelines, 2015. Collection method: clinical testing. Allele origin: germline. Affected: yes. Observed: 2 variant alleles.

Color Diagnostics, LLC DBA Color Health
Classification: Likely benign for Cardiomyopathy. Last evaluated: 2018-03-07. Review status: criteria provided, single submitter. Criteria: ACMG Guidelines, 2015. Collection method: clinical testing. Allele origin: germline.

Illumina Laboratory Services, Illumina
Classification: Likely benign for Hypertrophic cardiomyopathy 4. Last evaluated: 2018-02-16. Review status: criteria provided, single submitter. Criteria: ICSL Variant Classification Criteria 13 December 2019. Collection method: clinical testing. Allele origin: germline.
Comment: This variant was observed as part of a predisposition screen in an ostensibly healthy population. A literature search was performed for the gene, cDNA change, and amino acid change (where applicable). Publications were found based on this search. The evidence from the literature, in combination with allele frequency data from public databases where available, was sufficient to determine this variant is unlikely to cause disease. Therefore, this variant is classified as likely benign.

Illumina Laboratory Services, Illumina
Classification: Benign for Left ventricular noncompaction 10. Last evaluated: 2018-02-16. Review status: criteria provided, single submitter. Criteria: ICSL Variant Classification Criteria 13 December 2019. Collection method: clinical testing. Allele origin: germline.
Comment: This variant was observed as part of a predisposition screen in an ostensibly healthy population. A literature search was performed for the gene, cDNA change, and amino acid change (where applicable). No publications were found based on this search. Allele frequency data from public databases was too high to be consistent with this variant causing disease. Therefore, this variant is classified as benign.

CHEO Genetics Diagnostic Laboratory, Children's Hospital of Eastern Ontario
Classification: Benign for Cardiomyopathy. Last evaluated: 2018-02-02. Review status: criteria provided, single submitter. Criteria: ACMG Guidelines, 2015. Collection method: clinical testing. Allele origin: germline.

Molecular Diagnostic Laboratory for Inherited Cardiovascular Disease, Montreal Heart Institute
Classification: Likely benign. Last evaluated: 2016-07-05. Review status: criteria provided, single submitter. Criteria: ACMG Guidelines, 2015. Collection method: clinical testing. Allele origin: germline. Affected: yes.

Stanford Center for Inherited Cardiovascular Disease, Stanford University
Classification: Likely benign. Last evaluated: 2016-06-20. Review status: criteria provided, single submitter. Criteria: ACMG Guidelines, 2015. Collection method: provider interpretation. Allele origin: germline.

Clinical Genetics DNA and cytogenetics Diagnostics Lab, Erasmus MC, Erasmus Medical Center
Classification: Benign for Hypertrophic cardiomyopathy 4. Last evaluated: 2015-09-21. Review status: criteria provided, single submitter. Criteria: ACGS Guidelines, 2013. Collection method: clinical testing. Allele origin: germline. Affected: yes. Study: VKGL Data-share Consensus.

Laboratory for Molecular Medicine, Mass General Brigham Personalized Medicine
Classification: Likely benign. Last evaluated: 2015-05-07. Review status: criteria provided, single submitter. Criteria: LMM Criteria. Collection method: clinical testing. Allele origin: germline. Observed: 50 variant alleles.
Comment: p.Val189Ile in exon 5 of MYBPC3: This variant is not expected to have clinical s ignificance because it has been identified in 0.3% (204/60142) of European chrom osomes, including 2 homozygotes, by the Exome Aggregation Consortium (ExAC; dbSNP rs11570052).

GeneDx
Classification: Benign. Last evaluated: 2015-03-03. Review status: criteria provided, single submitter. Criteria: GeneDx Variant Classification Process June 2021. Collection method: clinical testing. Allele origin: germline. Affected: yes.
Comment: This variant is associated with the following publications: (PMID: 22429680, 23861362, 24503780, 24721642, 25342278, 27483260, 21310275)

Biesecker Lab/Clinical Genomics Section, National Institutes of Health
Classification: Likely benign. Last evaluated: 2013-06-24. Review status: criteria provided, single submitter. Criteria: Ng et al. (Circ Cardiovasc Genet. 2013). Collection method: research. Allele origin: unknown. Observed: 2 variant alleles. Study: ClinSeq.
Comment: The study set was not selected for affection status in relation to any cancer. Pathogenicity categories were based on literature curation. See Pubmed ID:23861362 for details.

Medical sequencing

Breakthrough Genomics
Classification: Likely benign. Review status: criteria provided, single submitter. Criteria: ACMG Guidelines, 2015. Collection method: not provided. Allele origin: germline. Inheritance: Autosomal dominant inheritance. Affected: yes.

Women's Health and Genetics/Laboratory Corporation of America, LabCorp
Classification: Benign for Hypertrophic Cardiomyopathy. Last evaluated: 2015-05-26. Review status: no assertion criteria provided. Collection method: clinical testing. Allele origin: germline. Not counted in ClinVar's aggregate classification.

Clinical Genetics, Academic Medical Center
Classification: Benign. Review status: no assertion criteria provided. Collection method: clinical testing. Allele origin: germline. Affected: yes. Study: VKGL Data-share Consensus. Not counted in ClinVar's aggregate classification.

Diagnostic Laboratory, Department of Genetics, University Medical Center Groningen
Classification: Benign for Hypertrophic cardiomyopathy 4. Review status: no assertion criteria provided. Collection method: clinical testing. Allele origin: germline. Affected: yes. Study: VKGL Data-share Consensus. Not counted in ClinVar's aggregate classification.

Joint Genome Diagnostic Labs from Nijmegen and Maastricht, Radboudumc and MUMC+
Classification: Benign. Review status: no assertion criteria provided. Collection method: clinical testing. Allele origin: germline. Affected: yes. Study: VKGL Data-share Consensus. Not counted in ClinVar's aggregate classification.

Zaffran Lab, Genetics of Cardiac Diseases Laboratory, Marseille Medical Genetics
Classification: Benign for hypertrophic cardiomyopathy. Review status: no assertion criteria provided. Collection method: research. Allele origin: unknown. Affected: yes. Not counted in ClinVar's aggregate classification.

Literature cited by the submitters: PubMed 21310275 (cited by Mayo Clinic Laboratories, Mayo Clinic and Ambry Genetics); PubMed 28166811 (cited by Mayo Clinic Laboratories, Mayo Clinic); PubMed 32746448 (cited by Mayo Clinic Laboratories, Mayo Clinic); PubMed 35653365 (cited by Mayo Clinic Laboratories, Mayo Clinic); PubMed 37937776 (cited by Mayo Clinic Laboratories, Mayo Clinic); PubMed 20800588 (cited by Ambry Genetics); PubMed 22429680 (cited by Ambry Genetics); PubMed 23861362 (cited by Ambry Genetics); PubMed 24503780 (cited by Ambry Genetics); PubMed 24510615 (cited by Ambry Genetics and Illumina Laboratory Services, Illumina); PubMed 24721642 (cited by Ambry Genetics); PubMed 25342278 (cited by Ambry Genetics).